The following is an entry in ClinVar:

ClinVar aggregate classification (germline): Uncertain significance (1 of 4 stars; one submission).

gnomAD v4.1: 1 of 1,602,028 alleles (0.000062%); highest among the groups gnomAD compares: Non-Finnish European, 0.000086%; no homozygotes.

Submission:

Labcorp Genetics (formerly Invitae), Labcorp
Classification: Uncertain significance. Last evaluated: 2024-07-22. Review status: criteria provided, single submitter. Criteria: Invitae Variant Classification Sherloc (09022015). Collection method: clinical testing. Allele origin: germline.
Comment: This sequence change replaces alanine, which is neutral and non-polar, with threonine, which is neutral and polar, at codon 1531 of the CACNA1E protein (p.Ala1531Thr). This variant is not present in population databases (gnomAD no frequency). This variant has not been reported in the literature in individuals affected with CACNA1E-related conditions. Advanced modeling of protein sequence and biophysical properties (such as structural, functional, and spatial information, amino acid conservation, physicochemical variation, residue mobility, and thermodynamic stability) has been performed at Invitae for this missense variant, however the output from this modeling did not meet the statistical confidence thresholds required to predict the impact of this variant on CACNA1E protein function. In summary, the available evidence is currently insufficient to determine the role of this variant in disease. Therefore, it has been classified as a Variant of Uncertain Significance.

NM_001205293.3(CACNA1E):c.4591G>A (p.Ala1531Thr)

Gene: CACNA1E (calcium voltage-gated channel subunit alpha1 E; plus strand). Cytogenetic location: 1q25.3.
Variant type: single nucleotide variant.
Coding change: c.4591G>A on transcript NM_001205293.3 (MANE Select); coding-DNA position 4591, G replaced by A.
Protein change: p.Ala1531Thr; replaces alanine 1531 with threonine.
Molecular consequence: missense variant.
Genome position (GRCh38, 1-based): chr1:181,758,854, G>A. VCF-style: chr1-181758854-G-A. GRCh37 (hg19) VCF-style: chr1-181727990-G-A.
Other names: c.4591G>A, p.Ala1531Thr (NM_000721.4); c.4534G>A, p.Ala1512Thr (NM_001205294.2); short protein forms A1512T, A1531T.
Identifiers: ClinVar variation 3677294 (VCV003677294.2).